The following is an entry in ClinVar:

ClinVar aggregate classification (germline): Uncertain significance (1 of 4 stars; one submission).

gnomAD v4.1: 2 of 1,551,604 alleles (0.00013%); highest among the groups gnomAD compares: Admixed American, 0.002%; no homozygotes.

Submission:

Labcorp Genetics (formerly Invitae), Labcorp
Classification: Uncertain significance. Last evaluated: 2023-10-15. Review status: criteria provided, single submitter. Criteria: Invitae Variant Classification Sherloc (09022015). Collection method: clinical testing. Allele origin: germline.
Comment: This sequence change replaces glycine, which is neutral and non-polar, with cysteine, which is neutral and slightly polar, at codon 377 of the FOXI3 protein (p.Gly377Cys). This variant is not present in population databases (gnomAD no frequency). This variant has not been reported in the literature in individuals affected with FOXI3-related conditions. Experimental studies and prediction algorithms are not available or were not evaluated, and the functional significance of this variant is currently unknown. In summary, the available evidence is currently insufficient to determine the role of this variant in disease. Therefore, it has been classified as a Variant of Uncertain Significance.

NM_001135649.3(FOXI3):c.1129G>T (p.Gly377Cys)

Gene: FOXI3 (forkhead box I3; minus strand). Cytogenetic location: 2p11.2.
Variant type: single nucleotide variant.
Coding change: c.1129G>T on transcript NM_001135649.3 (MANE Select); coding-DNA position 1129, G replaced by T.
Protein change: p.Gly377Cys; replaces glycine 377 with cysteine.
Molecular consequence: missense variant.
Genome position (GRCh38, 1-based): chr2:88,448,341, C>A on the plus strand (G>T on the coding strand, the complement: FOXI3 is on the minus strand). VCF-style: chr2-88448341-C-A. GRCh37 (hg19) VCF-style: chr2-88747860-C-A.
Other names: short protein forms G377C.
Identifiers: ClinVar variation 2785973 (VCV002785973.3), dbSNP rs528789316, ClinGen allele CA347764378.